The following is an entry in ClinVar:

NM_001201543.2(FAM161A):c.1397C>T (p.Ser466Phe)

Gene: FAM161A (FAM161 centrosomal protein A; minus strand). Cytogenetic location: 2p15.
Variant type: single nucleotide variant.
Coding change: c.1397C>T on transcript NM_001201543.2 (MANE Select); coding-DNA position 1397, C replaced by T.
Protein change: p.Ser466Phe; replaces serine 466 with phenylalanine.
Molecular consequence: missense variant. On other transcripts: non-coding transcript variant (1).
Genome position (GRCh38, 1-based): chr2:61,839,607, G>A on the plus strand (C>T on the coding strand, the complement: FAM161A is on the minus strand). VCF-style: chr2-61839607-G-A. GRCh37 (hg19) VCF-style: chr2-62066742-G-A.
Other names: c.1397C>T, p.Ser466Phe (NM_032180.3); short protein forms S466F.
Identifiers: ClinVar variation 2101020 (VCV002101020.4), dbSNP rs1321355694, ClinGen allele CA346986610.

ClinVar aggregate classification (germline): Uncertain significance (1 of 4 stars; one submission).

Allele frequency attached by ClinVar (database versions not stated): gnomAD exomes below 0.00001; gnomAD 0.00001.
gnomAD v4.1: 2 of 1,614,028 alleles (0.00012%); highest among the groups gnomAD compares: Admixed American, 0.0017%; no homozygotes.

Submission:

Labcorp Genetics (formerly Invitae), Labcorp
Classification: Uncertain significance. Last evaluated: 2024-11-06. Review status: criteria provided, single submitter. Criteria: Invitae Variant Classification Sherloc (09022015). Collection method: clinical testing. Allele origin: germline.
Comment: This sequence change replaces serine, which is neutral and polar, with phenylalanine, which is neutral and non-polar, at codon 466 of the FAM161A protein (p.Ser466Phe). This variant is not present in population databases (gnomAD no frequency). This variant has not been reported in the literature in individuals affected with FAM161A-related conditions. ClinVar contains an entry for this variant (Variation ID: 2101020). Invitae Evidence Modeling of protein sequence and biophysical properties (such as structural, functional, and spatial information, amino acid conservation, physicochemical variation, residue mobility, and thermodynamic stability) has been performed for this missense variant. However, the output from this modeling did not meet the statistical confidence thresholds required to predict the impact of this variant on FAM161A protein function. In summary, the available evidence is currently insufficient to determine the role of this variant in disease. Therefore, it has been classified as a Variant of Uncertain Significance.